The following is an entry in ClinVar:

NM_001127208.3(TET2):c.5620G>T (p.Glu1874Ter)

Genes: TET2 (tet methylcytosine dioxygenase 2; plus strand), TET2-AS1 (TET2 antisense RNA 1; minus strand). Cytogenetic location: 4q24.
Variant type: single nucleotide variant.
Coding change: c.5620G>T on transcript NM_001127208.3 (MANE Select); coding-DNA position 5620, G replaced by T.
Protein change: p.Glu1874Ter; replaces glutamic acid 1874 with a stop codon.
Molecular consequence: nonsense.
Genome position (GRCh38, 1-based): chr4:105,276,130, G>T. VCF-style: chr4-105276130-G-T. GRCh37 (hg19) VCF-style: chr4-106197287-G-T.
Other names: short protein forms E1874*.
Identifiers: ClinVar variation 4880985 (VCV004880985.2).

ClinVar aggregate classification (germline): Uncertain significance (1 of 4 stars; one submission).

Submission:

Dasa
Classification: Uncertain significance. Last evaluated: 2026-04-15. Review status: criteria provided, single submitter. Criteria: DASA Assertion Criteria. Collection method: clinical testing. Allele origin: germline.
Comment: NM_001127208.3(TET2):c.5620G>T (p.Glu1874*) is a nonsense variant in TET2 predicted to introduce a premature termination codon and is predicted to result in an absent or altered protein product. This variant is rare in population databases. The currently available literature and clinical evidence are not sufficient to establish a definitive association between this variant and the reported condition. Therefore, this variant is classified as a variant of uncertain significance.